The following is an entry in ClinVar:

ClinVar aggregate classification (germline): Uncertain significance (1 of 4 stars; one submission).

Conditions:
KSR2-related disorder. Also called: KSR2-related condition.

Submission:

PreventionGenetics, part of Exact Sciences
Classification: Uncertain significance for KSR2-related condition. Last evaluated: 2026-02-20. Review status: criteria provided, single submitter. Criteria: ACMG Guidelines, 2015. Collection method: clinical testing. Allele origin: germline.
Comment: The KSR2 c.1852C>T variant is predicted to result in the amino acid substitution p.Arg618Cys. To our knowledge, this variant has not been reported in the literature or in a large population database (gnomAD), indicating this variant is rare. At this time, the clinical significance of this variant is uncertain due to the absence of conclusive functional and genetic evidence.

NM_173598.6(KSR2):c.1939C>T (p.Arg647Cys)

Gene: KSR2 (kinase suppressor of ras 2; minus strand). Cytogenetic location: 12q24.22.
Variant type: single nucleotide variant.
Coding change: c.1939C>T on transcript NM_173598.6 (MANE Select); coding-DNA position 1939, C replaced by T.
Protein change: p.Arg647Cys; replaces arginine 647 with cysteine.
Molecular consequence: missense variant.
Genome position (GRCh38, 1-based): chr12:117,525,132, G>A on the plus strand (C>T on the coding strand, the complement: KSR2 is on the minus strand). VCF-style: chr12-117525132-G-A. GRCh37 (hg19) VCF-style: chr12-117962937-G-A.
Other names: short protein forms R647C.
Identifiers: ClinVar variation 4981784 (VCV004981784.1).